The following is an entry in ClinVar:

ClinVar aggregate classification (germline): Conflicting classifications of pathogenicity. Review status: criteria provided, conflicting classifications (1 of 4 stars). 3 submissions from 3 submitters: Pathogenic (1); Uncertain significance (1). 1 of the submissions does not count toward it. Last evaluated 2022-03-21.

Conditions:
SSR4-congenital disorder of glycosylation. Also called: SSR4-CDG; Congenital disorder of glycosylation type 1y; CDG IY. Identifiers: Orphanet 370927, MedGen C4012395, MONDO:0010490, OMIM 300934.

Submissions (5):

Revvity Omics, Revvity
Classification: Uncertain significance for SSR4-congenital disorder of glycosylation. Last evaluated: 2022-03-21. Review status: criteria provided, single submitter. Criteria: ACMG Guidelines, 2015. Collection method: clinical testing. Allele origin: germline.

Baylor Genetics
Classification: Pathogenic for SSR4-congenital disorder of glycosylation. Last evaluated: 2017-09-01. Review status: criteria provided, single submitter. Criteria: ACMG Guidelines, 2015. Collection method: clinical testing. Allele origin: de novo. Inheritance: X-linked inheritance. Affected: yes.

OMIM
Classification: Pathogenic for CONGENITAL DISORDER OF GLYCOSYLATION, TYPE Iy. Last evaluated: 2016-11-28. Review status: no assertion criteria provided. Collection method: literature only. Allele origin: germline. Not counted in ClinVar's aggregate classification.

Dr. Peter K. Rogan Lab, Western University
No classification provided (evidence only). Condition: Thyroid cancer, nonmedullary, 1. Review status: no classification provided. Collection method: in vitro. Allele origin: not applicable. Functional consequence: retained intron. Not counted in ClinVar's aggregate classification.

Dr. Peter K. Rogan Lab, Western University
No classification provided (evidence only). Condition: Thyroid cancer, nonmedullary, 1. Review status: no classification provided. Collection method: in vitro. Allele origin: not applicable. Functional consequence: retained intron. Not counted in ClinVar's aggregate classification.

Literature cited by the submitters: PubMed 25326635 (cited by Baylor Genetics); PubMed 26264460 (cited by OMIM).

NM_006280.3(SSR4):c.417+1G>A

Gene: SSR4 (signal sequence receptor subunit 4; plus strand). Cytogenetic location: Xq28.
Variant type: single nucleotide variant.
Coding change: c.417+1G>A on transcript NM_006280.3 (MANE Select); the canonical splice donor site of the intron after coding-DNA position 417, G replaced by A.
Molecular consequence: splice donor variant.
Genome position (GRCh38, 1-based): chrX:153,798,137, G>A. VCF-style: chrX-153798137-G-A. GRCh37 (hg19) VCF-style: chrX-153063592-G-A.
Other names: NC_000023.10:g.153063592G>A; IVS5DS, G-A, +1; c.417+1G>A (NM_001440796.1); c.498+1G>A (NM_001440795.1); c.441+1G>A (NM_001204527.2); c.450+1G>A (NM_001204526.2).
Identifiers: ClinVar variation 372145 (VCV000372145.6), dbSNP rs1057518735, ClinGen allele CA16042214.